The following is an entry in ClinVar:

ClinVar aggregate classification (germline): Uncertain significance (1 of 4 stars; one submission).

Conditions:
Charcot-Marie-Tooth disease type 2. Also called: Charcot-Marie-Tooth type 2. Identifiers: Orphanet 64746, MedGen C0270914, MONDO:0018993.

Allele frequency attached by ClinVar (database versions not stated): gnomAD exomes below 0.00001.
gnomAD v4.1: 1 of 1,612,916 alleles (0.000062%); highest among the groups gnomAD compares: Non-Finnish European, 0.000085%; no homozygotes.

Submission:

Labcorp Genetics (formerly Invitae), Labcorp
Classification: Uncertain significance for Charcot-Marie-Tooth disease type 2. Last evaluated: 2020-11-24. Review status: criteria provided, single submitter. Criteria: Invitae Variant Classification Sherloc (09022015). Collection method: clinical testing. Allele origin: germline.
Comment: This sequence change replaces leucine with phenylalanine at codon 651 of the MED25 protein (p.Leu651Phe). The leucine residue is highly conserved and there is a small physicochemical difference between leucine and phenylalanine. This variant is not present in population databases (ExAC no frequency). This variant has not been reported in the literature in individuals with MED25-related conditions. Algorithms developed to predict the effect of missense changes on protein structure and function are either unavailable or do not agree on the potential impact of this missense change (SIFT: "Deleterious"; PolyPhen-2: "Possibly Damaging"; Align-GVGD: "Class C0"). In summary, the available evidence is currently insufficient to determine the role of this variant in disease. Therefore, it has been classified as a Variant of Uncertain Significance.

NM_030973.4(MED25):c.1951C>T (p.Leu651Phe)

Gene: MED25 (mediator complex subunit 25; plus strand). Cytogenetic location: 19q13.33.
Variant type: single nucleotide variant.
Coding change: c.1951C>T on transcript NM_030973.4 (MANE Select); coding-DNA position 1951, C replaced by T.
Protein change: p.Leu651Phe; replaces leucine 651 with phenylalanine.
Molecular consequence: missense variant.
Genome position (GRCh38, 1-based): chr19:49,835,931, C>T. VCF-style: chr19-49835931-C-T. GRCh37 (hg19) VCF-style: chr19-50339188-C-T.
Other names: c.1951C>T, p.Leu651Phe (NM_001378355.1); short protein forms L651F.
Identifiers: ClinVar variation 1502886 (VCV001502886.8), dbSNP rs2123888587, ClinGen allele CA406921033.